The following is an entry in ClinVar:

ClinVar aggregate classification (germline): Likely pathogenic (1 of 4 stars; one submission).

Submission:

Genetic Services Laboratory, University of Chicago
Classification: Likely pathogenic. Last evaluated: 2023-04-13. Review status: criteria provided, single submitter. Criteria: ACMG Guidelines, 2015. Collection method: clinical testing. Allele origin: germline. Affected: yes.
Comment: DNA sequence analysis of the PKD2 gene demonstrated a single base pair duplication in exon 1, c.514dup. This sequence change results in an amino acid frameshift and creates a premature stop codon 41 amino acids downstream of the change, p.Asp172Glyfs*41. This sequence change is predicted to result in an abnormal transcript, which may be degraded, or may lead to the production of a truncated PKD2 protein with potentially abnormal function. This duplication does not appear to have been previously described in individuals with PKD2 -related disorders and has not been described in population databases such as ExAC and gnomAD. While this sequence change has not previously been described in the literature, other duplications in the PKD2 gene have been described in several individuals with polycystic kidney disease. Collectively, these evidences indicated this sequence change is likely pathogenic, however functional studies have not been performed to prove this conclusively.

NM_000297.4(PKD2):c.514dup (p.Asp172fs)

Genes: PKD2 (polycystin 2, transient receptor potential cation channel; plus strand), LOC129992813 (ATAC-STARR-seq lymphoblastoid silent region 15559; plus strand). Cytogenetic location: 4q22.1.
Variant type: Duplication.
Coding change: c.514dup on transcript NM_000297.4 (MANE Select); coding-DNA position 514, one base duplicated (G; older notation c.514dupG).
Protein change: p.Asp172fs; shifts the reading frame from aspartic acid 172.
Molecular consequence: frameshift variant. On other transcripts: non-coding transcript variant (1).
Genome position (GRCh38, 1-based): chr4:88,008,247, G duplicated; the last of 4 consecutive G bases (chr4:88,008,244-88,008,247); duplicating any one gives the same sequence. VCF-style (leftmost placement, unchanged base first): chr4-88008243-C-CG. GRCh37 (hg19) VCF-style: chr4-88929395-C-CG.
Other names: c.514dup, p.Asp172fs (NM_001440544.1); short protein forms D172fs.
Identifiers: ClinVar variation 4082497 (VCV004082497.2).